The following is an entry in ClinVar:

NM_001378120.1(MBD5):c.540G>C (p.Arg180Ser)

Gene: MBD5 (methyl-CpG binding domain protein 5; plus strand). Cytogenetic location: 2q23.1.
Variant type: single nucleotide variant.
Coding change: c.540G>C on transcript NM_001378120.1 (MANE Select); coding-DNA position 540, G replaced by C.
Protein change: p.Arg180Ser; replaces arginine 180 with serine.
Molecular consequence: missense variant.
Genome position (GRCh38, 1-based): chr2:148,468,483, G>C. VCF-style: chr2-148468483-G-C. GRCh37 (hg19) VCF-style: chr2-149226052-G-C.
Other names: c.540G>C, p.Arg180Ser (NM_018328.5); short protein forms R180S.
Identifiers: ClinVar variation 2177817 (VCV002177817.4), dbSNP rs1559085542, ClinGen allele CA348717020.

ClinVar aggregate classification (germline): Uncertain significance (1 of 4 stars; one submission).

Conditions:
Intellectual developmental disorder, autosomal dominant 1. Also called: Intellectual disability, autosomal dominant 1; MBD5 Haploinsufficiency. Identifiers: Orphanet 228402, MedGen C1969562, MONDO:0007974, OMIM 156200.

Submission:

Labcorp Genetics (formerly Invitae), Labcorp
Classification: Uncertain significance for Intellectual developmental disorder, autosomal dominant 1. Last evaluated: 2022-08-23. Review status: criteria provided, single submitter. Criteria: Invitae Variant Classification Sherloc (09022015). Collection method: clinical testing. Allele origin: germline.
Comment: In summary, the available evidence is currently insufficient to determine the role of this variant in disease. Therefore, it has been classified as a Variant of Uncertain Significance. Algorithms developed to predict the effect of missense changes on protein structure and function are either unavailable or do not agree on the potential impact of this missense change (SIFT: "Deleterious"; PolyPhen-2: "Benign"; Align-GVGD: "Class C65"). This variant has not been reported in the literature in individuals affected with MBD5-related conditions. This variant is not present in population databases (gnomAD no frequency). This sequence change replaces arginine, which is basic and polar, with serine, which is neutral and polar, at codon 180 of the MBD5 protein (p.Arg180Ser).